The following is an entry in ClinVar:

ClinVar aggregate classification (germline): Uncertain significance (1 of 4 stars; one submission).

Submission:

Greenwood Genetic Center Diagnostic Laboratories, Greenwood Genetic Center
Classification: Uncertain significance. Last evaluated: 2025-05-07. Review status: criteria provided, single submitter. Criteria: ACMG Guidelines, 2015. Collection method: clinical testing. Allele origin: germline. Affected: yes.
Comment: PM2, PP3

NM_020791.4(TAOK1):c.2545-11A>G

Gene: TAOK1 (TAO kinase 1; plus strand). Cytogenetic location: 17q11.2.
Variant type: single nucleotide variant.
Coding change: c.2545-11A>G on transcript NM_020791.4 (MANE Select); 11 bases into the intron before coding-DNA position 2545, A replaced by G.
Molecular consequence: intron variant.
Genome position (GRCh38, 1-based): chr17:29,542,550, A>G. VCF-style: chr17-29542550-A-G. GRCh37 (hg19) VCF-style: chr17-27869568-A-G.
Other names: c.2101-11A>G (NM_025142.1).
Identifiers: ClinVar variation 4538221 (VCV004538221.1).
Genomic context (GRCh38, chr17:29,542,550, plus strand): 5'-ATTATTGCTTCCTTTCTTTATAGACTTAAAAATAATAAATTGGCTTTCATTTTTCTTCCA[A>G]TCTCCAACAGATTGAAGAAGAGATGTTGGCTTTGCAGAATGAGCGCACAGAACGAATACG-3'